The following is an entry in ClinVar:

NM_004006.3(DMD):c.2495T>A (p.Ile832Asn)

Gene: DMD (dystrophin; minus strand). Cytogenetic location: Xp21.1.
Variant type: single nucleotide variant.
Coding change: c.2495T>A on transcript NM_004006.3 (MANE Select); coding-DNA position 2495, T replaced by A.
Protein change: p.Ile832Asn; replaces isoleucine 832 with asparagine.
Molecular consequence: missense variant.
Genome position (GRCh38, 1-based): chrX:32,491,404, A>T on the plus strand (T>A on the coding strand, the complement: DMD is on the minus strand). VCF-style: chrX-32491404-A-T. GRCh37 (hg19) VCF-style: chrX-32509521-A-T.
Other names: c.2471T>A, p.Ile824Asn (NM_000109.4); c.2483T>A, p.Ile828Asn (NM_004009.3); c.2126T>A, p.Ile709Asn (NM_004010.3); short protein forms I709N, I824N, I828N, I832N.
Identifiers: ClinVar variation 2145701 (VCV002145701.5), dbSNP rs2525053175, ClinGen allele CA412672436.
Genomic context (GRCh38, chrX:32,491,404, plus strand): 5'-CAGTTTTCAGCAGTAGTTGTCATCTGCTCCAATTGTTGTAGCTGATTATAGAAAGCGATG[A>T]TGTTGTTCTGATACTCCAGCCAGTTAAGTCTCTCACTTAGCAACTGGCAGAATTCGATCC-3'
Protein context (NP_003997.2, residues 822-842): RLNWLEYQNN[Ile832Asn]IAFYNQLQQL

ClinVar aggregate classification (germline): Uncertain significance. Review status: criteria provided, multiple submitters, no conflicts (2 of 4 stars). 3 submissions from 3 submitters: Uncertain significance (3). Last evaluated 2023-11-21.

Conditions:
Cardiovascular phenotype. Identifiers: MedGen CN230736.
Duchenne muscular dystrophy (DMD). Also called: MUSCULAR DYSTROPHY, PSEUDOHYPERTROPHIC PROGRESSIVE, DUCHENNE TYPE; Duchenne Muscular Dystrophy (DMD). Identifiers: Orphanet 98896, MedGen C0013264, MONDO:0010679, OMIM 310200.

Allele frequency attached by ClinVar (database versions not stated): gnomAD exomes below 0.00001.
gnomAD v4.1: 1 of 1,211,814 alleles (0.000083%); highest among the groups gnomAD compares: Non-Finnish European, 0.00011%; no homozygotes.

Submissions (3):

Ambry Genetics
Classification: Uncertain significance for Cardiovascular phenotype. Last evaluated: 2023-11-21. Review status: criteria provided, single submitter. Criteria: Ambry Variant Classification Scheme 2023. Collection method: clinical testing. Allele origin: germline.
Comment: The p.I832N variant (also known as c.2495T>A), located in coding exon 20 of the DMD gene, results from a T to A substitution at nucleotide position 2495. The isoleucine at codon 832 is replaced by asparagine, an amino acid with dissimilar properties. This amino acid position is highly conserved in available vertebrate species. In addition, this alteration is predicted to be tolerated by in silico analysis. Since supporting evidence is limited at this time, the clinical significance of this alteration remains unclear.

Labcorp Genetics (formerly Invitae), Labcorp
Classification: Uncertain significance for Duchenne muscular dystrophy. Last evaluated: 2022-01-17. Review status: criteria provided, single submitter. Criteria: Invitae Variant Classification Sherloc (09022015). Collection method: clinical testing. Allele origin: germline.
Comment: This sequence change replaces isoleucine, which is neutral and non-polar, with asparagine, which is neutral and polar, at codon 832 of the DMD protein (p.Ile832Asn). This variant is not present in population databases (gnomAD no frequency). This variant has not been reported in the literature in individuals affected with DMD-related conditions. Algorithms developed to predict the effect of missense changes on protein structure and function are either unavailable or do not agree on the potential impact of this missense change (SIFT: "Tolerated"; PolyPhen-2: "Possibly Damaging"; Align-GVGD: "Class C15"). In summary, the available evidence is currently insufficient to determine the role of this variant in disease. Therefore, it has been classified as a Variant of Uncertain Significance.

Revvity Omics, Revvity
Classification: Uncertain significance. Last evaluated: 2020-05-25. Review status: criteria provided, single submitter. Criteria: ACMG Guidelines, 2015. Collection method: clinical testing. Allele origin: germline.